The following is an entry in ClinVar:

NM_052876.4(NACC1):c.427C>G (p.Pro143Ala)

Gene: NACC1 (nucleus accumbens associated 1; plus strand). Cytogenetic location: 19p13.13.
Variant type: single nucleotide variant.
Coding change: c.427C>G on transcript NM_052876.4 (MANE Select); coding-DNA position 427, C replaced by G.
Protein change: p.Pro143Ala; replaces proline 143 with alanine.
Molecular consequence: missense variant.
Genome position (GRCh38, 1-based): chr19:13,135,634, C>G. VCF-style: chr19-13135634-C-G. GRCh37 (hg19) VCF-style: chr19-13246448-C-G.
Other names: short protein forms P143A.
Identifiers: ClinVar variation 4537132 (VCV004537132.1).

ClinVar aggregate classification (germline): Uncertain significance (1 of 4 stars; one submission).

Submission:

Women's Health and Genetics/Laboratory Corporation of America, LabCorp
Classification: Uncertain significance. Last evaluated: 2025-11-26. Review status: criteria provided, single submitter. Criteria: LabCorp Variant Classification Summary - May 2015. Collection method: clinical testing. Allele origin: germline.
Comment: Variant summary: NACC1 c.427C>G (p.Pro143Ala) results in a non-conservative amino acid change in the encoded protein sequence. Algorithms developed to predict the effect of missense changes on protein structure and function are either unavailable or do not agree on the potential impact of this missense change. The variant was absent in 183136 control chromosomes. The available data on variant occurrences in the general population are insufficient to allow any conclusion about variant significance. To our knowledge, no occurrence of c.427C>G in individuals affected with NACC1-related conditions and no experimental evidence demonstrating its impact on protein function have been reported. No submitters have cited clinical-significance assessments for this variant to ClinVar. Based on the evidence outlined above, the variant was classified as uncertain significance.